The following is an entry in ClinVar:

ClinVar aggregate classification (germline): Conflicting classifications of pathogenicity. Review status: criteria provided, conflicting classifications (1 of 4 stars). 5 submissions from 5 submitters: Uncertain significance (1); Benign (1); Likely benign (3). Last evaluated 2025-10-18.

Conditions:
Inborn genetic diseases. Identifiers: MedGen C0950123, MeSH D030342.
GSN-related disorder. Also called: GSN-related condition.
Finnish type amyloidosis. Also called: Lattice corneal dystrophy associated with familial systemic amyloidosis; Meretoja's syndrome; Lattice dystrophy of the cornea with hereditary generalized amyloidosis; AMYLOIDOSIS, HEREDITARY SYSTEMIC 4, FINNISH TYPE; AMYLOID CRANIAL NEUROPATHY WITH LATTICE CORNEAL DYSTROPHY; AMYLOIDOSIS DUE TO MUTANT GELSOLIN. Identifiers: Orphanet 85448, MedGen C1622345, MONDO:0007097, OMIM 105120.

Allele frequency attached by ClinVar (database versions not stated): 1000 Genomes Project 30x 0.00016; 1000 Genomes Project 0.00020; gnomAD exomes 0.00031; TOPMed 0.00031; ExAC 0.00037; gnomAD 0.00041; ESP Exome Variant Server 0.00069.
gnomAD v4.1: 915 of 1,613,970 alleles (0.057%); highest among the groups gnomAD compares: Non-Finnish European, 0.072%; 1 homozygote.

Submissions (5):

Labcorp Genetics (formerly Invitae), Labcorp
Classification: Uncertain significance. Last evaluated: 2025-10-18. Review status: criteria provided, single submitter. Criteria: Invitae Variant Classification Sherloc (09022015). Collection method: clinical testing. Allele origin: germline.
Comment: This sequence change replaces arginine, which is basic and polar, with tryptophan, which is neutral and slightly polar, at codon 142 of the GSN protein (p.Arg142Trp). This variant is present in population databases (rs146956976, gnomAD 0.06%), and has an allele count higher than expected for a pathogenic variant. This variant has not been reported in the literature in individuals affected with GSN-related conditions. ClinVar contains an entry for this variant (Variation ID: 364802). An algorithm developed to predict the effect of missense changes on protein structure and function (PolyPhen-2) suggests that this variant is likely to be disruptive. In summary, the available evidence is currently insufficient to determine the role of this variant in disease. Therefore, it has been classified as a Variant of Uncertain Significance.

CeGaT Center for Human Genetics Tuebingen
Classification: Likely benign. Last evaluated: 2025-08-01. Review status: criteria provided, single submitter. Criteria: CeGaT Center For Human Genetics Tuebingen Variant Classification Criteria Version 2. Collection method: clinical testing. Allele origin: germline. Affected: yes. Observed: 1 variant allele.
Comment: GSN: BP4

PreventionGenetics, part of Exact Sciences
Classification: Likely benign for GSN-related condition. Last evaluated: 2025-05-28. Review status: criteria provided, single submitter. Criteria: ACMG Guidelines, 2015. Collection method: clinical testing. Allele origin: germline.
Comment: This variant is classified as likely benign based on ACMG/AMP sequence variant interpretation guidelines (Richards et al. 2015 PMID: 25741868, with internal and published modifications).

Ambry Genetics
Classification: Likely benign for Inborn genetic diseases. Last evaluated: 2019-08-27. Review status: criteria provided, single submitter. Criteria: Ambry Variant Classification Scheme 2023. Collection method: clinical testing. Allele origin: germline.

Illumina Laboratory Services, Illumina
Classification: Benign for Finnish type amyloidosis. Last evaluated: 2018-01-13. Review status: criteria provided, single submitter. Criteria: ICSL Variant Classification Criteria 13 December 2019. Collection method: clinical testing. Allele origin: germline.
Comment: This variant was observed in the ICSL laboratory as part of a predisposition screen in an ostensibly healthy population. It had not been previously curated by ICSL or reported in the Human Gene Mutation Database (HGMD: prior to June 1st, 2018), and was therefore a candidate for classification through an automated scoring system. Utilizing variant allele frequency, disease prevalence and penetrance estimates, and inheritance mode, an automated score was calculated to assess if this variant is too frequent to cause the disease. Based on the score and internal cut-off values, a variant classified as benign is not then subjected to further curation. The score for this variant resulted in a classification of benign for this disease.

NM_198252.3(GSN):c.271C>T (p.Arg91Trp)

Gene: GSN (gelsolin; plus strand). Cytogenetic location: 9q33.2.
Variant type: single nucleotide variant.
Coding change: c.271C>T on transcript NM_198252.3 (MANE Select); coding-DNA position 271, C replaced by T.
Protein change: p.Arg91Trp; replaces arginine 91 with tryptophan.
Molecular consequence: missense variant. On other transcripts: 5 prime UTR variant (1).
Genome position (GRCh38, 1-based): chr9:121,302,985, C>T. VCF-style: chr9-121302985-C-T. GRCh37 (hg19) VCF-style: chr9-124065263-C-T.
Other names: c.424C>T, p.Arg142Trp (NM_000177.5); c.271C>T, p.Arg91Trp (NM_001127662.2, NM_001127664.2, NM_001127665.2 and 10 more transcripts); c.379C>T, p.Arg127Trp (NM_001127663.2); c.304C>T, p.Arg102Trp (NM_001127666.2, NM_001127667.2, NM_001353063.2 and 13 more transcripts); c.322C>T, p.Arg108Trp (NM_001258029.2); c.295C>T, p.Arg99Trp (NM_001258030.2); c.343C>T, p.Arg115Trp (NM_001353076.2); c.-384C>T (NM_001353078.2); short protein forms R102W, R142W, R99W, R91W, R127W, R108W, R115W.
Identifiers: ClinVar variation 364802 (VCV000364802.21), dbSNP rs146956976, ClinGen allele CA5220824.
Genomic context (GRCh38, chr9:121,302,985, plus strand): 5'-CAGGATGAGAGCGGGGCGGCCGCCATCTTTACCGTGCAGCTGGATGACTACCTGAACGGC[C>T]GGGCCGTGCAGCACCGTGAGGTCCAGGGCTTCGAGTCGGCCACCTTCCTAGGCTACTTCA-3'
Protein context (NP_937895.1, residues 81-101): TVQLDDYLNG[Arg91Trp]AVQHREVQGF